The following is an entry in ClinVar:

ClinVar aggregate classification (germline): Pathogenic (1 of 4 stars; one submission).

Conditions:
Arrhythmogenic right ventricular dysplasia 8 (ARVD8). Also called: Arrhythmogenic Right Ventricular Dysplasia/Cardiomyopathy 8; ARRHYTHMOGENIC RIGHT VENTRICULAR DYSPLASIA, FAMILIAL, 8; ARRHYTHMOGENIC RIGHT VENTRICULAR CARDIOMYOPATHY 8. Identifiers: MedGen C1843896, MONDO:0011831, OMIM 607450.
Arrhythmogenic cardiomyopathy with wooly hair and keratoderma. Also called: PALMOPLANTAR KERATODERMA WITH LEFT VENTRICULAR CARDIOMYOPATHY AND WOOLLY HAIR; Carvajal syndrome; Dilated cardiomyopathy with woolly hair and keratoderma; Arrhythmogenic cardiomyopathy with woolly hair and keratoderma. Identifiers: Orphanet 65282, MedGen C1854063, MONDO:0011581, OMIM 605676.

Submission:

Labcorp Genetics (formerly Invitae), Labcorp
Classification: Pathogenic for Arrhythmogenic cardiomyopathy with wooly hair and keratoderma; Arrhythmogenic right ventricular dysplasia 8. Last evaluated: 2024-04-01. Review status: criteria provided, single submitter. Criteria: Invitae Variant Classification Sherloc (09022015). Collection method: clinical testing. Allele origin: germline.
Comment: This sequence change creates a premature translational stop signal (p.Gln696*) in the DSP gene. It is expected to result in an absent or disrupted protein product. Loss-of-function variants in DSP are known to be pathogenic (PMID: 20716751, 24503780, 25227139). This variant is not present in population databases (gnomAD no frequency). This variant has not been reported in the literature in individuals affected with DSP-related conditions. For these reasons, this variant has been classified as Pathogenic.

Literature cited by the submitters: PubMed 20716751; PubMed 24503780; PubMed 25227139.

NM_004415.4(DSP):c.2086C>T (p.Gln696Ter)

Gene: DSP (desmoplakin; plus strand). Cytogenetic location: 6p24.3.
Variant type: single nucleotide variant.
Coding change: c.2086C>T on transcript NM_004415.4 (MANE Select); coding-DNA position 2086, C replaced by T.
Protein change: p.Gln696Ter; replaces glutamine 696 with a stop codon.
Molecular consequence: nonsense.
Genome position (GRCh38, 1-based): chr6:7,572,024, C>T. VCF-style: chr6-7572024-C-T. GRCh37 (hg19) VCF-style: chr6-7572257-C-T.
Other names: c.2086C>T, p.Gln696Ter (NM_001008844.3, NM_001319034.2); short protein forms Q696*.
Identifiers: ClinVar variation 3755626 (VCV003755626.2).